The following is an entry in ClinVar:

NM_001005498.4(RHBDF2):c.763G>A (p.Asp255Asn)

Gene: RHBDF2 (rhomboid 5 homolog 2; minus strand). Cytogenetic location: 17q25.1.
Variant type: single nucleotide variant.
Coding change: c.763G>A on transcript NM_001005498.4 (MANE Select); coding-DNA position 763, G replaced by A.
Protein change: p.Asp255Asn; replaces aspartic acid 255 with asparagine.
Molecular consequence: missense variant. On other transcripts: non-coding transcript variant (3).
Genome position (GRCh38, 1-based): chr17:76,477,695, C>T on the plus strand (G>A on the coding strand, the complement: RHBDF2 is on the minus strand). VCF-style: chr17-76477695-C-T. GRCh37 (hg19) VCF-style: chr17-74473777-C-T.
Other names: c.763G>A, p.Asp255Asn (NM_001376228.1, NM_001376229.1, NM_001376230.1); c.850G>A, p.Asp284Asn (NM_024599.5); short protein forms D284N, D255N.
Identifiers: ClinVar variation 3706137 (VCV003706137.2).

ClinVar aggregate classification (germline): Uncertain significance (1 of 4 stars; one submission).

gnomAD v4.1: 82 of 1,614,038 alleles (0.0051%); highest among the groups gnomAD compares: South Asian, 0.018%; no homozygotes.

Submission:

Labcorp Genetics (formerly Invitae), Labcorp
Classification: Uncertain significance. Last evaluated: 2024-09-23. Review status: criteria provided, single submitter. Criteria: Invitae Variant Classification Sherloc (09022015). Collection method: clinical testing. Allele origin: germline.
Comment: This sequence change replaces aspartic acid, which is acidic and polar, with asparagine, which is neutral and polar, at codon 284 of the RHBDF2 protein (p.Asp284Asn). This variant is present in population databases (rs374306738, gnomAD 0.02%). This variant has not been reported in the literature in individuals affected with RHBDF2-related conditions. An algorithm developed to predict the effect of missense changes on protein structure and function (PolyPhen-2) suggests that this variant is likely to be disruptive. In summary, the available evidence is currently insufficient to determine the role of this variant in disease. Therefore, it has been classified as a Variant of Uncertain Significance.